The following is an entry in ClinVar:

ClinVar aggregate classification (germline): Likely benign. Review status: criteria provided, single submitter (1 of 4 stars). 2 submissions from 2 submitters: Likely benign (1). 1 of the submissions does not count toward it. Last evaluated 2026-01-12.

Conditions:
DNAH8-related disorder. Also called: DNAH8-related condition.
Primary ciliary dyskinesia. Also called: Ciliary dyskinesia. Identifiers: Orphanet 244, MedGen C0008780, MONDO:0016575, HP:0012265.

Allele frequency attached by ClinVar (database versions not stated): 1000 Genomes Project 30x 0.00016; 1000 Genomes Project 0.00020; ExAC 0.00026; gnomAD exomes 0.00026; TOPMed 0.00036; gnomAD 0.00042 and 0.00043; ESP Exome Variant Server 0.00062.
gnomAD v4.1: 1,079 of 1,586,078 alleles (0.068%); highest among the groups gnomAD compares: Non-Finnish European, 0.089%; no homozygotes.

Submissions (2):

Labcorp Genetics (formerly Invitae), Labcorp
Classification: Likely benign for Primary ciliary dyskinesia. Last evaluated: 2026-01-12. Review status: criteria provided, single submitter. Criteria: Invitae Variant Classification Sherloc (09022015). Collection method: clinical testing. Allele origin: germline.

PreventionGenetics, part of Exact Sciences
Classification: Likely benign for DNAH8-related condition. Last evaluated: 2019-03-04. Review status: no assertion criteria provided. Collection method: clinical testing. Allele origin: germline. Not counted in ClinVar's aggregate classification.
Comment: This variant is classified as likely benign based on ACMG/AMP sequence variant interpretation guidelines (Richards et al. 2015 PMID: 25741868, with internal and published modifications).

NM_001206927.2(DNAH8):c.8583+10G>T

Gene: DNAH8 (dynein axonemal heavy chain 8; plus strand). Cytogenetic location: 6p21.2.
Variant type: single nucleotide variant.
Coding change: c.8583+10G>T on transcript NM_001206927.2 (MANE Select); 10 bases into the intron after coding-DNA position 8583, G replaced by T.
Molecular consequence: intron variant.
Genome position (GRCh38, 1-based): chr6:38,890,771, G>T. VCF-style: chr6-38890771-G-T. GRCh37 (hg19) VCF-style: chr6-38858547-G-T.
Other names: c.7932+10G>T (NM_001371.4).
Identifiers: ClinVar variation 454604 (VCV000454604.12), dbSNP rs146573461, ClinGen allele CA3790223.
Genomic context (GRCh38, chr6:38,890,771, plus strand): 5'-ATGATTGTGAATTTAGTCTCAGTGGGTAGAGTGCTGTGGCAATGGACTAAGGTACAGAAT[G>T]GTTTGTCAATAATTTTTAAAAAGGCAACTATTATTCAGCCCTAGATCACACCTCGTGGCT-3'